The following is an entry in ClinVar:

ClinVar aggregate classification (germline): Uncertain significance. Review status: criteria provided, multiple submitters, no conflicts (2 of 4 stars). 3 submissions from 3 submitters: Uncertain significance (3). Last evaluated 2024-03-26.

Conditions:
Intellectual disability-epilepsy-extrapyramidal syndrome (NEDHELS). Also called: Dyskinesia, seizures, and intellectual developmental disorder. Identifiers: Orphanet 468620, MedGen C4310683, MONDO:0014952, OMIM 617171.

Submissions (3):

Genomic Medicine Center of Excellence, King Faisal Specialist Hospital and Research Centre
Classification: Uncertain significance for Intellectual disability-epilepsy-extrapyramidal syndrome. Last evaluated: 2024-03-26. Review status: criteria provided, single submitter. Criteria: ACMG Guidelines, 2015. Collection method: clinical testing. Allele origin: germline.

Labcorp Genetics (formerly Invitae), Labcorp
Classification: Uncertain significance. Last evaluated: 2021-08-25. Review status: criteria provided, single submitter. Criteria: Invitae Variant Classification Sherloc (09022015). Collection method: clinical testing. Allele origin: germline.
Comment: In summary, the available evidence is currently insufficient to determine the role of this variant in disease. Therefore, it has been classified as a Variant of Uncertain Significance. Experimental studies and prediction algorithms are not available or were not evaluated, and the functional significance of this variant is currently unknown. This variant has not been reported in the literature in individuals with DEAF1-related conditions. The frequency data for this variant in the population databases is considered unreliable, as metrics indicate poor data quality at this position in the ExAC database. This variant, c.48_92del, results in the deletion of 15 amino acid(s) of the DEAF1 protein (p.Val19_Ala33del), but otherwise preserves the integrity of the reading frame.

Neuberg Centre For Genomic Medicine, NCGM
Classification: Uncertain significance for Intellectual disability-epilepsy-extrapyramidal syndrome. Review status: criteria provided, single submitter. Criteria: ACMG Guidelines, 2015. Collection method: clinical testing. Allele origin: germline. Inheritance: Autosomal recessive inheritance. Affected: yes.
Comment: The observed inframe deletion variant c.48_92del (p.Val19_Ala33del) in DEAF1 gene has not been reported previously as a pathogenic variant nor as a benign variant, to our knowledge. The p.Val19_Ala33del variant has allele frequency 0.007% gnomAD Exomes. This variant has been submitted to the ClinVar database as Uncertain Significance. This p.Val19_Ala33del causes deletion of amino acid Valine at position 19 to Alanine at position 33. For these reasons, this variant has been classified as Variant of Uncertain Significance (VUS).

NM_021008.4(DEAF1):c.48_92del (p.Val19_Ala33del)

Gene: DEAF1 (DEAF1 transcription factor; minus strand). Cytogenetic location: 11p15.5.
Variant type: Deletion.
Coding change: c.48_92del on transcript NM_021008.4 (MANE Select); coding-DNA positions 48 to 92, 45 bases deleted.
Protein change: p.Val19_Ala33del.
Molecular consequence: inframe deletion. On other transcripts: inframe indel (1), intron variant (1).
Genome position (GRCh38, 1-based): chr11:694,956-695,000, 45 bases deleted; deleting any 45 consecutive bases within chr11:694,956-695,003 gives the same sequence; the c. name uses the placement nearest the transcript's 3' end. GRCh37 (hg19): chr11:694,959-695,003.
Other names: c.45_89del45, p.Val19_Ala33del (NM_001293634.2); c.-437-3402_-437-3358del (NM_001367390.1).
Identifiers: ClinVar variation 1401796 (VCV001401796.10), dbSNP rs747153500, ClinGen allele CA5786666.